The following is an entry in ClinVar:

ClinVar aggregate classification (germline): Likely benign. Review status: criteria provided, multiple submitters, no conflicts (2 of 4 stars). 2 submissions from 2 submitters: Likely benign (2). Last evaluated 2026-07-01.

gnomAD v4.1: 679 of 1,612,610 alleles (0.042%); highest among the groups gnomAD compares: African/African-American, 0.092%; 3 homozygotes.

Submissions (2):

CeGaT Center for Human Genetics Tuebingen
Classification: Likely benign. Last evaluated: 2026-07-01. Review status: criteria provided, single submitter. Criteria: CeGaT Center For Human Genetics Tuebingen Variant Classification Criteria Version 2. Collection method: clinical testing. Allele origin: germline. Affected: yes. Observed: 1 variant allele.
Comment: SIN3B: BP4, BP7

Blueprint Genetics
Classification: Likely benign. Last evaluated: 2024-11-06. Review status: criteria provided, single submitter. Criteria: ACMG Guidelines, 2015. Collection method: clinical testing. Allele origin: germline.

NM_001297595.2(SIN3B):c.3117C>T (p.Ser1039=)

Gene: SIN3B (SIN3 transcription regulator family member B; plus strand). Cytogenetic location: 19p13.11.
Variant type: single nucleotide variant.
Coding change: c.3117C>T on transcript NM_001297595.2 (MANE Select); coding-DNA position 3117, C replaced by T.
Protein change: p.Ser1039=; no amino-acid change (serine 1039 retained).
Molecular consequence: synonymous variant.
Genome position (GRCh38, 1-based): chr19:16,878,345, C>T. VCF-style: chr19-16878345-C-T. GRCh37 (hg19) VCF-style: chr19-16989156-C-T.
Other names: c.1887C>T, p.Ser629= (NM_001297597.2); c.3213C>T, p.Ser1071= (NM_015260.4).
Identifiers: ClinVar variation 4941396 (VCV004941396.2).
Genomic context (GRCh38, chr19:16,878,345, plus strand): 5'-CTGCGACGTGGACTGCCGCTTCAAGCTCAGCACTCACAAGATGGTGTTCATCGTGAACTC[C>T]GAGGACTACATGTACCGTCGCGGGACCCTCTGCCGGGCCAAGCAGGTGCCAGGGGAGGCC-3'
Protein context (NP_001284524.1, residues 1029-1049): STHKMVFIVN[Ser1039=]EDYMYRRGTL